The following is an entry in ClinVar:

NM_000352.6(ABCC8):c.2837_2838del (p.Arg946fs)

Gene: ABCC8 (ATP binding cassette subfamily C member 8; minus strand). Cytogenetic location: 11p15.1.
Variant type: Microsatellite.
Coding change: c.2837_2838del on transcript NM_000352.6 (MANE Select); coding-DNA positions 2837 to 2838, 2 bases deleted (GA; older notation c.2837_2838delGA).
Protein change: p.Arg946fs; shifts the reading frame from arginine 946.
Molecular consequence: frameshift variant. On other transcripts: non-coding transcript variant (1).
Genome position (GRCh38, 1-based): chr11:17,407,436-17,407,437, TC deleted on the plus strand (GA on the coding strand, the reverse complement: ABCC8 is on the minus strand); deleting any 2 consecutive bases within chr11:17,407,436-17,407,442 gives the same sequence; the c. name uses the placement nearest the transcript's 3' end. VCF-style (leftmost placement, unchanged base first): chr11-17407435-TTC-T. GRCh37 (hg19) VCF-style: chr11-17428982-TTC-T.
Other names: c.2840_2841del, p.Arg947fs (NM_001287174.3); c.2903_2904del, p.Arg968fs (NM_001351295.2); c.2837_2838del, p.Arg946fs (NM_001351296.2); c.2834_2835del, p.Arg945fs (NM_001351297.2); c.2837_2838delGA (NM_000352.6); short protein forms R945fs, R946fs, R947fs, R968fs.
Identifiers: ClinVar variation 4853618 (VCV004853618.2).

ClinVar aggregate classification (germline): Pathogenic. Review status: criteria provided, multiple submitters, no conflicts (2 of 4 stars). 2 submissions from 2 submitters: Pathogenic (2). Last evaluated 2026-05-01.

Conditions:
Hyperinsulinemic hypoglycemia, familial, 1 (HHF1). Also called: Persistent hyperinsulinemic hypoglycemia of infancy; HYPERINSULINISM, FAMILIAL, WITH PANCREATIC NESIDIOBLASTOSIS; HYPOGLYCEMIA, HYPERINSULINEMIC, OF INFANCY; NESIDIOBLASTOSIS OF PANCREAS; Persistent Hyperinsulinemia Hypoglycemia of Infancy. Identifiers: Orphanet 276575, Orphanet 276598, MedGen C2931832, MONDO:0009734, OMIM 256450.
Familial hyperinsulinism. Also called: Congenital hyperinsulinism. Identifiers: Orphanet 276525, MedGen C3888018, MONDO:0017182. Disease mechanism: loss of function.

Submissions (2):

Women's Health and Genetics/Laboratory Corporation of America, LabCorp
Classification: Pathogenic for Familial hyperinsulinism. Last evaluated: 2026-05-01. Review status: criteria provided, single submitter. Criteria: LabCorp Variant Classification Summary - May 2015. Collection method: clinical testing. Allele origin: germline.
Comment: Variant summary: ABCC8 c.2837_2838delGA (p.Arg946LysfsX23) results in a premature termination codon, predicted to cause a truncation of the encoded protein or absence of the protein due to nonsense mediated decay, which are commonly known mechanisms for disease. Loss-of-function variants in this gene are known to be pathogenic. The variant was absent in 251486 control chromosomes. To our knowledge, no occurrence of c.2837_2838delGA in individuals affected with ABCC8-related conditions and no experimental evidence demonstrating its impact on protein function have been reported. No submitters have cited clinical-significance assessments for this variant to ClinVar. Based on the evidence outlined above, the variant was classified as pathogenic.

Myriad Genetics, Inc.
Classification: Pathogenic for Hyperinsulinemic hypoglycemia, familial, 1. Last evaluated: 2025-12-17. Review status: criteria provided, single submitter. Criteria: Myriad Autosomal Dominant, Autosomal Recessive and X-Linked Classification Criteria (2023). Collection method: clinical testing. Allele origin: unknown.
Comment: NM_000352.3(ABCC8):c.2837_2838delGA(R946Kfs*23) is expected to be pathogenic in the context of familial hyperinsulinism, ABCC8-related. This variant is predicted to lead to an abnormal or absent protein product due to the creation of a premature termination codon in ABCC8, a gene where loss-of-function variants are known to be pathogenic. Please note: this variant was assessed in the context of healthy population screening.